The following is an entry in ClinVar:

NM_005219.5(DIAPH1):c.3507G>C (p.Lys1169Asn)

Gene: DIAPH1 (diaphanous related formin 1; minus strand). Cytogenetic location: 5q31.3.
Variant type: single nucleotide variant.
Coding change: c.3507G>C on transcript NM_005219.5 (MANE Select); coding-DNA position 3507, G replaced by C.
Protein change: p.Lys1169Asn; replaces lysine 1169 with asparagine.
Molecular consequence: missense variant.
Genome position (GRCh38, 1-based): chr5:141,526,105, C>G on the plus strand (G>C on the coding strand, the complement: DIAPH1 is on the minus strand). VCF-style: chr5-141526105-C-G. GRCh37 (hg19) VCF-style: chr5-140905672-C-G.
Other names: c.3480G>C, p.Lys1160Asn (NM_001079812.3); c.3507G>C, p.Lys1169Asn (NM_001314007.2); short protein forms K1169N, K1160N.
Identifiers: ClinVar variation 2950244 (VCV002950244.3), dbSNP rs1214401095, ClinGen allele CA361577161.

ClinVar aggregate classification (germline): Uncertain significance (1 of 4 stars; one submission).

Conditions:
Autosomal dominant nonsyndromic hearing loss 1. Also called: KONIGSMARK SYNDROME; DEAFNESS, AUTOSOMAL DOMINANT 1, WITH OR WITHOUT THROMBOCYTOPENIA. Identifiers: Orphanet 90635, MedGen C1852282, MONDO:0007424, OMIM 124900.
Progressive microcephaly-seizures-cortical blindness-developmental delay syndrome. Also called: Seizures, cortical blindness, and microcephaly syndrome. Identifiers: Orphanet 477814, MedGen C5567650, MONDO:0014714, OMIM 616632.

Submission:

Labcorp Genetics (formerly Invitae), Labcorp
Classification: Uncertain significance for Progressive microcephaly-seizures-cortical blindness-developmental delay syndrome; Autosomal dominant nonsyndromic hearing loss 1. Last evaluated: 2023-09-06. Review status: criteria provided, single submitter. Criteria: Invitae Variant Classification Sherloc (09022015). Collection method: clinical testing. Allele origin: germline.
Comment: In summary, the available evidence is currently insufficient to determine the role of this variant in disease. Therefore, it has been classified as a Variant of Uncertain Significance. An algorithm developed to predict the effect of missense changes on protein structure and function (PolyPhen-2) suggests that this variant is likely to be disruptive. This variant has not been reported in the literature in individuals affected with DIAPH1-related conditions. This variant is not present in population databases (gnomAD no frequency). This sequence change replaces lysine, which is basic and polar, with asparagine, which is neutral and polar, at codon 1169 of the DIAPH1 protein (p.Lys1169Asn).